The following is an entry in ClinVar:

ClinVar aggregate classification (germline): Uncertain significance (1 of 4 stars; one submission).

Conditions:
Anauxetic dysplasia. Identifiers: Orphanet 93347, MedGen C1846796, MONDO:0011773.

Allele frequency attached by ClinVar (database versions not stated): TOPMed below 0.00001.

Submission:

Labcorp Genetics (formerly Invitae), Labcorp
Classification: Uncertain significance for Anauxetic dysplasia. Last evaluated: 2022-07-27. Review status: criteria provided, single submitter. Criteria: Invitae Variant Classification Sherloc (09022015). Collection method: clinical testing. Allele origin: germline.
Comment: This variant occurs in the RMRP gene, which encodes an RNA molecule that does not result in a protein product. This variant is not present in population databases (gnomAD no frequency). This variant has not been reported in the literature in individuals affected with RMRP-related conditions. Experimental studies and prediction algorithms are not available or were not evaluated, and the functional significance of this variant is currently unknown. In summary, the available evidence is currently insufficient to determine the role of this variant in disease. Therefore, it has been classified as a Variant of Uncertain Significance.

NC_000009.12:g.35657657C>G

Gene: RMRP (RNA component of mitochondrial RNA processing endoribonuclease; minus strand). Cytogenetic location: 9p13.3.
Variant type: single nucleotide variant.
Genome position: GRCh38 VCF-style: chr9-35657657-C-G. GRCh37 (hg19) VCF-style: chr9-35657654-C-G.
Identifiers: ClinVar variation 1935489 (VCV001935489.2), dbSNP rs1823589205, ClinGen allele CA1846127281.